The following is an entry in ClinVar:

ClinVar aggregate classification (germline): Likely pathogenic (1 of 4 stars; one submission).

Submission:

GeneDx
Classification: Likely pathogenic. Last evaluated: 2019-01-22. Review status: criteria provided, single submitter. Criteria: GeneDx Variant Classification (06012015). Collection method: clinical testing. Allele origin: germline. Affected: yes.
Comment: A variant that is likely pathogenic has been identified in the ALDH5A1 gene. The c.498delG variant has not been published as a pathogenic variant, nor has it been reported as a benign variant to our knowledge. The c.498delG variant is not observed in large population cohorts (Lek et al., 2016). The c.498delG variant causes a frameshift starting with codon Tryptophan 166, changes this amino acid to a Cysteine residue and creates a premature Stop codon at position 30 of the new reading frame, denoted p.Trp166CysfsX30. This pathogenic variant is predicted to cause loss of normal protein function either through protein truncation or nonsense-mediated mRNA decay. Therefore, this variant is likely pathogenic; however, the possibility that it is benign cannot be excluded.

NM_001080.3(ALDH5A1):c.498del (p.Trp166fs)

Gene: ALDH5A1 (aldehyde dehydrogenase 5 family member A1; plus strand). Cytogenetic location: 6p22.3.
Variant type: Deletion.
Coding change: c.498del on transcript NM_001080.3 (MANE Select); coding-DNA position 498, one base deleted (G; older notation c.498delG).
Protein change: p.Trp166fs; shifts the reading frame from tryptophan 166.
Molecular consequence: frameshift variant.
Genome position (GRCh38, 1-based): chr6:24,503,322, G deleted; the last of 2 consecutive G bases (chr6:24,503,321-24,503,322); deleting either gives the same sequence. VCF-style (leftmost placement, unchanged base first): chr6-24503320-TG-T. GRCh37 (hg19) VCF-style: chr6-24503548-TG-T.
Other names: c.498del, p.Trp166fs (NM_001368954.1, NM_170740.1); c.498delG (NM_001080.3); short protein forms W166fs.
Identifiers: ClinVar variation 817416 (VCV000817416.1), dbSNP rs1581807379, ClinGen allele CA915944159.